The following is an entry in ClinVar:

ClinVar aggregate classification (germline): Uncertain significance (1 of 4 stars; one submission).

Submission:

GeneDx
Classification: Uncertain significance. Last evaluated: 2025-06-13. Review status: criteria provided, single submitter. Criteria: GeneDx Variant Classification Process June 2021. Collection method: clinical testing. Allele origin: germline. Affected: yes.
Comment: Not observed at significant frequency in large population cohorts (gnomAD); In silico analysis supports that this missense variant has a deleterious effect on protein structure/function; Has not been previously published as pathogenic or benign to our knowledge

NM_000379.4(XDH):c.1127C>T (p.Ser376Phe)

Gene: XDH (xanthine dehydrogenase; minus strand). Cytogenetic location: 2p23.1.
Variant type: single nucleotide variant.
Coding change: c.1127C>T on transcript NM_000379.4 (MANE Select); coding-DNA position 1127, C replaced by T.
Protein change: p.Ser376Phe; replaces serine 376 with phenylalanine.
Molecular consequence: missense variant.
Genome position (GRCh38, 1-based): chr2:31,381,638, G>A on the plus strand (C>T on the coding strand, the complement: XDH is on the minus strand). VCF-style: chr2-31381638-G-A. GRCh37 (hg19) VCF-style: chr2-31604504-G-A.
Other names: short protein forms S376F.
Identifiers: ClinVar variation 4537657 (VCV004537657.1).